The following is an entry in ClinVar:

NM_001376571.1(MADD):c.509G>A (p.Arg170His)

Gene: MADD (MAP kinase activating death domain; plus strand). Cytogenetic location: 11p11.2.
Variant type: single nucleotide variant.
Coding change: c.509G>A on transcript NM_001376571.1 (MANE Select); coding-DNA position 509, G replaced by A.
Protein change: p.Arg170His; replaces arginine 170 with histidine.
Molecular consequence: missense variant. On other transcripts: non-coding transcript variant (8), intron variant (1).
Genome position (GRCh38, 1-based): chr11:47,275,009, G>A. VCF-style: chr11-47275009-G-A. GRCh37 (hg19) VCF-style: chr11-47296560-G-A.
Other names: c.509G>A, p.Arg170His (NM_001376615.1, NM_001376616.1, NM_001376617.1 and 80 more transcripts); c.305G>A, p.Arg102His (NM_001376620.1, NM_001376635.1, NM_001376654.1 and 9 more transcripts); c.-7-890G>A (NM_001376663.1); short protein forms R102H, R170H.
Identifiers: ClinVar variation 1209130 (VCV001209130.8), dbSNP rs752898668, ClinGen allele CA221684083.
Genomic context (GRCh38, chr11:47,275,009, plus strand): 5'-CCCCTGATGTGAACCAGTCTCCTCGGGGCAAACGCCGGGCCAAGGCGGGGAGCCGCTCCC[G>A]CAACAGTACTCTCACGTCCCTGTGCGTGCTCAGCCACTACCCTTTCTTCTCCACCTTCCG-3'
Protein context (NP_001363500.1, residues 160-180): KRRAKAGSRS[Arg170His]NSTLTSLCVL

ClinVar aggregate classification (germline): Uncertain significance. Review status: criteria provided, multiple submitters, no conflicts (2 of 4 stars). 3 submissions from 3 submitters: Uncertain significance (3). Last evaluated 2026-09-19.

Conditions:
MADD-related disorder. Also called: MADD-related condition; MADD-Related Disorders.
Inborn genetic diseases. Identifiers: MedGen C0950123, MeSH D030342.

Allele frequency attached by ClinVar (database versions not stated): gnomAD 0.00003 and 0.00004; TOPMed 0.00006.
gnomAD v4.1: 25 of 1,614,074 alleles (0.0015%); highest among the groups gnomAD compares: Admixed American, 0.005%; no homozygotes.

Submissions (3):

PreventionGenetics, part of Exact Sciences
Classification: Uncertain significance for MADD-related condition. Last evaluated: 2026-09-19. Review status: criteria provided, single submitter. Criteria: ACMG Guidelines, 2015. Collection method: clinical testing. Allele origin: germline.
Comment: The MADD c.509G>A variant is predicted to result in the amino acid substitution p.Arg170His. To our knowledge, this variant has not been reported in the literature. This variant is reported in 0.0033% of alleles in individuals of South Asian descent in gnomAD. At this time, the clinical significance of this variant is uncertain due to the absence of conclusive functional and genetic evidence.

Ambry Genetics
Classification: Uncertain significance for Inborn genetic diseases. Last evaluated: 2025-02-22. Review status: criteria provided, single submitter. Criteria: Ambry Variant Classification Scheme 2023. Collection method: clinical testing. Allele origin: germline.

GeneDx
Classification: Uncertain significance. Last evaluated: 2021-02-26. Review status: criteria provided, single submitter. Criteria: GeneDx Variant Classification Process June 2021. Collection method: clinical testing. Allele origin: germline. Affected: yes.
Comment: In silico analysis, which includes protein predictors and evolutionary conservation, supports a deleterious effect; Has not been previously published as pathogenic or benign to our knowledge